The following is an entry in ClinVar:

ClinVar aggregate classification (germline): Pathogenic (1 of 4 stars; one submission).

Submission:

GeneDx
Classification: Pathogenic. Last evaluated: 2018-10-19. Review status: criteria provided, single submitter. Criteria: GeneDx Variant Classification (06012015). Collection method: clinical testing. Allele origin: germline. Affected: yes.
Comment: The Q152X variant in the HPRT1 gene has been reported previously in association with Lesch-Nyhan syndrome (Fu et al., 2013). This variant is predicted to cause loss of normal protein function either through protein truncation or nonsense-mediated mRNA decay. The Q152X variant is not observed in large population cohorts (Lek et al., 2016). We interpret Q152X as a pathogenic variant.

NM_000194.3(HPRT1):c.454C>T (p.Gln152Ter)

Gene: HPRT1 (hypoxanthine phosphoribosyltransferase 1; plus strand). Cytogenetic location: Xq26.2.
Variant type: single nucleotide variant.
Coding change: c.454C>T on transcript NM_000194.3 (MANE Select); coding-DNA position 454, C replaced by T.
Protein change: p.Gln152Ter; replaces glutamine 152 with a stop codon.
Molecular consequence: nonsense.
Genome position (GRCh38, 1-based): chrX:134,493,559, C>T. VCF-style: chrX-134493559-C-T. GRCh37 (hg19) VCF-style: chrX-133627589-C-T.
Other names: short protein forms Q152*.
Identifiers: ClinVar variation 620112 (VCV000620112.1), dbSNP rs1569359021, ClinGen allele CA414714438.
Genomic context (GRCh38, chrX:134,493,559, plus strand): 5'-TTTTGAAAGGATATAATTGACACTGGCAAAACAATGCAGACTTTGCTTTCCTTGGTCAGG[C>T]AGTATAATCCAAAGATGGTCAAGGTCGCAAGGTATGTATGACATTTTGACACAGAATATT-3'